The following is an entry in ClinVar:

NM_003900.5(SQSTM1):c.1A>G (p.Met1Val)

Gene: SQSTM1 (sequestosome 1; plus strand). Cytogenetic location: 5q35.3.
Variant type: single nucleotide variant.
Coding change: c.1A>G on transcript NM_003900.5 (MANE Select); coding-DNA position 1, A replaced by G.
Protein change: p.Met1Val; changes the start codon (methionine 1).
Molecular consequence: missense variant, initiator codon variant. On other transcripts: intron variant (2).
Genome position (GRCh38, 1-based): chr5:179,820,937, A>G. VCF-style: chr5-179820937-A-G. GRCh37 (hg19) VCF-style: chr5-179247937-A-G.
Other names: c.-47-2021A>G (NM_001142298.2, NM_001142299.2); short protein forms M1V.
Identifiers: ClinVar variation 1019776 (VCV001019776.15), dbSNP rs1302810798, ClinGen allele CA362441988.

ClinVar aggregate classification (germline): Conflicting classifications of pathogenicity. Review status: criteria provided, conflicting classifications (1 of 4 stars). 4 submissions from 4 submitters: Pathogenic (1); Likely pathogenic (1); Uncertain significance (2). Last evaluated 2026-03-28.

Conditions:
Paget disease of bone 2, early-onset (PDB2). Also called: Paget disease of bone 2. Identifiers: MedGen C4085251, MONDO:0011183, OMIM 602080.
Frontotemporal dementia and/or amyotrophic lateral sclerosis 1 (FTDALS1). Also called: Frontotemporal dementia with motor neuron disease 1; C9orf72 Frontotemporal Dementia and/or Amyotrophic Lateral Sclerosis. Identifiers: Orphanet 275872, MedGen C5779877, MONDO:0007105, OMIM 105550.
Neurodegeneration with ataxia, dystonia, and gaze palsy, childhood-onset (NADGP). Identifiers: MedGen C4310693, MONDO:0014940, OMIM 617145.

Allele frequency attached by ClinVar (database versions not stated): gnomAD exomes 0.00001; gnomAD 0.00001 and 0.00002; TOPMed 0.00002.

Submissions (4):

GeneDx
Classification: Pathogenic. Last evaluated: 2026-03-28. Review status: criteria provided, single submitter. Criteria: GeneDx Variant Classification Process June 2021. Collection method: clinical testing. Allele origin: germline.
Comment: Initiation codon variant in a gene for which loss of function is a known mechanism of disease; This variant is associated with the following publications: (PMID: 38532471, 39587727)

Labcorp Genetics (formerly Invitae), Labcorp
Classification: Uncertain significance for Paget disease of bone 2, early-onset; Frontotemporal dementia and/or amyotrophic lateral sclerosis 1. Last evaluated: 2024-06-19. Review status: criteria provided, single submitter. Criteria: Invitae Variant Classification Sherloc (09022015). Collection method: clinical testing. Allele origin: germline.
Comment: This sequence change affects the initiator methionine of the SQSTM1 mRNA. The next in-frame methionine is located at codon 85. The frequency data for this variant in the population databases is considered unreliable, as metrics indicate poor data quality at this position in the gnomAD database. Disruption of the initiator codon has been observed in individual(s) with autosomal recessive neurodegeneration with ataxia, dystonia, and gaze palsy (PMID: 27545679). ClinVar contains an entry for this variant (Variation ID: 1019776). Experimental studies and prediction algorithms are not available or were not evaluated, and the functional significance of this variant is currently unknown. In summary, the available evidence is currently insufficient to determine the role of this variant in disease. Therefore, it has been classified as a Variant of Uncertain Significance.

Athena Diagnostics
Classification: Uncertain significance. Last evaluated: 2021-12-13. Review status: criteria provided, single submitter. Criteria: Athena Diagnostics Criteria. Collection method: clinical testing. Allele origin: unknown.

Illumina Laboratory Services, Illumina
Classification: Likely pathogenic for Neurodegeneration with ataxia, dystonia, and gaze palsy, childhood-onset. Last evaluated: 2020-11-24. Review status: criteria provided, single submitter. Criteria: ICSLVariantClassificationCriteria RUGD 01 April 2020. Collection method: clinical testing. Allele origin: unknown.
Comment: The SQSTM1 c.1A>G (p.Met1?) variant disrupts the initiation codon and is predicted to interfere with normal protein expression. A different nucleotide change that also disrupts the initiation codon, c.2T>A, has been reported in a homozygous state in three siblings with childhood-onset neurodegeneration with ataxia, dystonia, gaze palsy and cognitive decline. Analysis of fibroblasts from affected individuals in this family, indicated the absence of any translated gene product (Haack et al. 2016). The c.1A>G variant is reported at a frequency of 0.000230 in the African/African-American population of the Genome Aggregation Database, which is based on two alleles in a region of good sequencing coverage. One additional allele affecting the initiation codon is also present in the Ashkenazi Jewish population. Based on the collective evidence, the c.1A>G variant is classified as likely pathogenic for childhood-onset neurodegeneration with ataxia, dystonia, and gaze palsy.

Literature cited by the submitters: PubMed 27545679 (cited by 3 submitters).